The following is an entry in ClinVar:

ClinVar aggregate classification (germline): Uncertain significance. Review status: criteria provided, multiple submitters, no conflicts (2 of 4 stars). 2 submissions from 2 submitters: Uncertain significance (2). Last evaluated 2025-08-01.

Conditions:
Hypertrophic cardiomyopathy. Also called: HYPERTROPHIC MYOCARDIOPATHY. Identifiers: Orphanet 217569, MedGen C0007194, MeSH D002312, MONDO:0005045, HP:0001639.

Submissions (2):

Labcorp Genetics (formerly Invitae), Labcorp
Classification: Uncertain significance for Hypertrophic cardiomyopathy. Last evaluated: 2025-08-01. Review status: criteria provided, single submitter. Criteria: Invitae Variant Classification Sherloc (09022015). Collection method: clinical testing. Allele origin: germline.
Comment: This sequence change replaces glutamic acid, which is acidic and polar, with glycine, which is neutral and non-polar, at codon 846 of the MYH7 protein (p.Glu846Gly). This variant is not present in population databases (gnomAD no frequency). This variant has not been reported in the literature in individuals affected with MYH7-related conditions. ClinVar contains an entry for this variant (Variation ID: 228904). Invitae Evidence Modeling of protein sequence and biophysical properties (such as structural, functional, and spatial information, amino acid conservation, physicochemical variation, residue mobility, and thermodynamic stability) indicates that this missense variant is expected to disrupt MYH7 protein function with a positive predictive value of 95%. This variant disrupts the p.Glu846 amino acid residue in MYH7. Other variant(s) that disrupt this residue have been determined to be pathogenic (PMID: 12566107, 27532257; internal data). This suggests that this residue is clinically significant, and that variants that disrupt this residue are likely to be disease-causing. In summary, the available evidence is currently insufficient to determine the role of this variant in disease. Therefore, it has been classified as a Variant of Uncertain Significance.

Laboratory for Molecular Medicine, Mass General Brigham Personalized Medicine
Classification: Uncertain significance. Last evaluated: 2015-07-02. Review status: criteria provided, single submitter. Criteria: LMM Criteria. Collection method: clinical testing. Allele origin: germline. Observed: 1 variant allele.
Comment: Variant classified as Uncertain Significance - Favor Pathogenic. The p.Glu846Gly variant in MYH7 has not been previously reported in individuals with cardiomyop athy or in large population studies. Glutamic acid (Glu) at position 846 is high ly conserved in mammals and across evolutionarily distant species and the change to glycine (Gly) was predicted to be pathogenic using a computational tool clin ically validated by our laboratory. This tool's pathogenic prediction is estimat ed to be correct 94% of the time (Jordan 2011). In summary, while there is some suspicion for a pathogenic role, the clinical significance of the p.Glu846Gly va riant is uncertain.

Literature cited by the submitters: PubMed 12566107 (cited by Labcorp Genetics (formerly Invitae), Labcorp); PubMed 27532257 (cited by Labcorp Genetics (formerly Invitae), Labcorp).

NM_000257.4(MYH7):c.2537A>G (p.Glu846Gly)

Genes: MYH7 (myosin heavy chain 7; minus strand), LOC126861898 (BRD4-independent group 4 enhancer GRCh37_chr14:23893609-23894808; plus strand). Cytogenetic location: 14q11.2.
Variant type: single nucleotide variant.
Coding change: c.2537A>G on transcript NM_000257.4 (MANE Select); coding-DNA position 2537, A replaced by G.
Protein change: p.Glu846Gly; replaces glutamic acid 846 with glycine.
Molecular consequence: missense variant.
Genome position (GRCh38, 1-based): chr14:23,424,911, T>C on the plus strand (A>G on the coding strand, the complement: MYH7 is on the minus strand). VCF-style: chr14-23424911-T-C. GRCh37 (hg19) VCF-style: chr14-23894120-T-C.
Other names: short protein forms E846G.
Identifiers: ClinVar variation 228904 (VCV000228904.5), dbSNP rs876657881, ClinGen allele CA501236.
Genomic context (GRCh38, chr14:23,424,911, plus strand): 5'-GACTTCTCTAGCGCCTCTTTGAGGCGTGTGAACTCCTCCTTCATGGAGGCCATCTCCTTC[T>C]CTCTTTCTGCACTCTTCAGCAGCGGCTTGATCTTGAAGTAGAGCTTCATCCAGGGCCAAT-3'
Protein context (NP_000248.2, residues 836-856): IKPLLKSAER[Glu846Gly]KEMASMKEEF